The following is an entry in ClinVar:

NM_001130438.3(SPTAN1):c.155A>G (p.Asp52Gly)

Gene: SPTAN1 (spectrin alpha, non-erythrocytic 1; plus strand). Cytogenetic location: 9q34.11.
Variant type: single nucleotide variant.
Coding change: c.155A>G on transcript NM_001130438.3 (MANE Select); coding-DNA position 155, A replaced by G.
Protein change: p.Asp52Gly; replaces aspartic acid 52 with glycine.
Molecular consequence: missense variant.
Genome position (GRCh38, 1-based): chr9:128,566,895, A>G. VCF-style: chr9-128566895-A-G. GRCh37 (hg19) VCF-style: chr9-131329174-A-G.
Other names: c.155A>G, p.Asp52Gly (NM_001195532.2, NM_001363759.2, NM_001363765.2 and 5 more transcripts); c.191A>G, p.Asp64Gly (NM_001375312.2, NM_001375318.1); short protein forms D52G, D64G.
Identifiers: ClinVar variation 2632235 (VCV002632235.1), dbSNP rs2540900507, ClinGen allele CA375049791.
Genomic context (GRCh38, chr9:128,566,895, plus strand): 5'-TCTCAACCCTTAGGCGTCAGAAGCTGGAAGATTCCTATCGATTCCAGTTCTTTCAAAGAG[A>G]TGCTGAAGAGCTGGAGAAATGGATACAGGAAAAACTTCAGATTGCATCTGATGAGAATTA-3'
Protein context (NP_001123910.1, residues 42-62): DSYRFQFFQR[Asp52Gly]AEELEKWIQE

ClinVar aggregate classification (germline): Uncertain significance (1 of 4 stars; one submission).

Conditions:
SPTAN1-related disorder. Also called: SPTAN1-related condition; SPTAN1-related disorders.

gnomAD v4.1: 2 of 1,614,234 alleles (0.00012%); highest among the groups gnomAD compares: Non-Finnish European, 0.00017%; no homozygotes.

Submission:

PreventionGenetics, part of Exact Sciences
Classification: Uncertain significance for SPTAN1-related condition. Last evaluated: 2023-06-23. Review status: criteria provided, single submitter. Criteria: ACMG Guidelines, 2015. Collection method: clinical testing. Allele origin: germline.
Comment: The SPTAN1 c.155A>G variant is predicted to result in the amino acid substitution p.Asp52Gly. To our knowledge, this variant has not been reported in the literature or in a large population database, indicating this variant is rare. At this time, the clinical significance of this variant is uncertain due to the absence of conclusive functional and genetic evidence.